The following is an entry in ClinVar:

ClinVar aggregate classification (germline): Pathogenic (1 of 4 stars; one submission).

Conditions:
Charcot-Marie-Tooth disease axonal type 2V. Also called: CHARCOT-MARIE-TOOTH NEUROPATHY, TYPE 2V; CHARCOT-MARIE-TOOTH DISEASE, AXONAL, AUTOSOMAL DOMINANT, TYPE 2V. Identifiers: Orphanet 447964, MedGen C5569050, MONDO:0014665, OMIM 616491.
Mucopolysaccharidosis, MPS-III-B (MPS3B). Also called: N-ACETYL-ALPHA-D-GLUCOSAMINIDASE DEFICIENCY; NAGLU DEFICIENCY; SANFILIPPO SYNDROME B; MPS III B; Mucopolysaccharidosis type IIIB (Sanfilippo B); MUCOPOLYSACCHARIDOSIS, TYPE IIIB. Identifiers: Orphanet 79270, MedGen C0086648, MONDO:0009656, OMIM 252920.

Submission:

Labcorp Genetics (formerly Invitae), Labcorp
Classification: Pathogenic for Charcot-Marie-Tooth disease axonal type 2V; Mucopolysaccharidosis, MPS-III-B. Last evaluated: 2024-04-30. Review status: criteria provided, single submitter. Criteria: Invitae Variant Classification Sherloc (09022015). Collection method: clinical testing. Allele origin: germline.
Comment: This sequence change creates a premature translational stop signal (p.Cys99Thrfs*22) in the NAGLU gene. It is expected to result in an absent or disrupted protein product. Loss-of-function variants in NAGLU are known to be pathogenic (PMID: 9832037, 10094189, 16151907). This variant is not present in population databases (gnomAD no frequency). This variant has not been reported in the literature in individuals affected with NAGLU-related conditions. For these reasons, this variant has been classified as Pathogenic.

Literature cited by the submitters: PubMed 9832037; PubMed 10094189; PubMed 16151907.

NM_000263.4(NAGLU):c.295_298del (p.Cys99fs)

Gene: NAGLU (N-acetyl-alpha-glucosaminidase; plus strand). Cytogenetic location: 17q21.2.
Variant type: Deletion.
Coding change: c.295_298del on transcript NM_000263.4 (MANE Select); coding-DNA positions 295 to 298, 4 bases deleted (TGCC; older notation c.295_298delTGCC).
Protein change: p.Cys99fs; shifts the reading frame from cysteine 99.
Molecular consequence: frameshift variant.
Genome position (GRCh38, 1-based): chr17:42,536,567-42,536,570, TGCC deleted; deleting any 4 consecutive bases within chr17:42,536,566-42,536,570 gives the same sequence; the c. name uses the placement nearest the transcript's 3' end. VCF-style (leftmost placement, unchanged base first): chr17-42536565-GCTGC-G. GRCh37 (hg19) VCF-style: chr17-40688583-GCTGC-G.
Other names: short protein forms C99fs.
Identifiers: ClinVar variation 3756117 (VCV003756117.2).